The following is an entry in ClinVar:

NM_004360.5(CDH1):c.2259T>A (p.Tyr753Ter)

Gene: CDH1 (cadherin 1; plus strand). Cytogenetic location: 16q22.1.
Variant type: single nucleotide variant.
Coding change: c.2259T>A on transcript NM_004360.5 (MANE Select); coding-DNA position 2259, T replaced by A.
Protein change: p.Tyr753Ter; replaces tyrosine 753 with a stop codon.
Molecular consequence: nonsense.
Genome position (GRCh38, 1-based): chr16:68,828,268, T>A. VCF-style: chr16-68828268-T-A. GRCh37 (hg19) VCF-style: chr16-68862171-T-A.
Other names: c.2076T>A, p.Tyr692Ter (NM_001317184.2); c.711T>A, p.Tyr237Ter (NM_001317185.2); c.294T>A, p.Tyr98Ter (NM_001317186.2); short protein forms Y237*, Y692*, Y753*, Y98*.
Identifiers: ClinVar variation 4825316 (VCV004825316.1).
Genomic context (GRCh38, chr16:68,828,268, plus strand): 5'-GAGAGCGGTGGTCAAAGAGCCCTTACTGCCCCCAGAGGATGACACCCGGGACAACGTTTA[T>A]TACTATGATGAAGAAGGAGGCGGAGAAGAGGACCAGGTGGGTTTTGAAAACCTTGGTAGC-3'

ClinVar aggregate classification (germline): Pathogenic (1 of 4 stars; one submission).

Conditions:
Hereditary cancer-predisposing syndrome. Also called: Neoplastic Syndromes, Hereditary; Tumor predisposition; Hereditary Cancer Syndrome; Hereditary neoplastic syndrome. Identifiers: Orphanet 140162, MedGen C0027672, MeSH D009386, MONDO:0015356.

Submission:

Ambry Genetics
Classification: Pathogenic for Hereditary cancer-predisposing syndrome. Last evaluated: 2026-02-16. Review status: criteria provided, single submitter. Criteria: Ambry Variant Classification Scheme 2023. Collection method: clinical testing. Allele origin: germline.
Comment: The p.Y753* pathogenic mutation (also known as c.2259T>A), located in coding exon 14 of the CDH1 gene, results from a T to A substitution at nucleotide position 2259. This changes the amino acid from a tyrosine to a stop codon within coding exon 14. This variant is considered to be rare based on population cohorts in the Genome Aggregation Database (gnomAD). This alteration is expected to result in loss of function by premature protein truncation or nonsense-mediated mRNA decay. As such, this alteration is interpreted as a disease-causing mutation.